The following is an entry in ClinVar:

ClinVar aggregate classification (germline): Conflicting classifications of pathogenicity. Review status: criteria provided, conflicting classifications (1 of 4 stars). 4 submissions from 4 submitters: Uncertain significance (2); Likely benign (1). 1 of the submissions does not count toward it. Last evaluated 2025-12-15.

Conditions:
Bloom syndrome (BLM). Also called: Bloom-Torre-Machacek syndrome. Identifiers: Orphanet 125, MedGen C0005859, MONDO:0008876, OMIM 210900.
Hereditary cancer-predisposing syndrome. Also called: Neoplastic Syndromes, Hereditary; Hereditary Cancer Syndrome; Hereditary neoplastic syndrome; Tumor predisposition. Identifiers: Orphanet 140162, MedGen C0027672, MeSH D009386, MONDO:0015356.

Allele frequency attached by ClinVar (database versions not stated): gnomAD exomes below 0.00001.
gnomAD v4.1: 1 of 1,614,066 alleles (0.000062%); highest among the groups gnomAD compares: Non-Finnish European, 0.000085%; no homozygotes.

Submissions (4):

Labcorp Genetics (formerly Invitae), Labcorp
Classification: Uncertain significance for Bloom syndrome. Last evaluated: 2025-12-15. Review status: criteria provided, single submitter. Criteria: Invitae Variant Classification Sherloc (09022015). Collection method: clinical testing. Allele origin: germline.
Comment: This sequence change replaces glutamic acid, which is acidic and polar, with glycine, which is neutral and non-polar, at codon 440 of the BLM protein (p.Glu440Gly). This variant is not present in population databases (gnomAD no frequency). This variant has not been reported in the literature in individuals affected with BLM-related conditions. ClinVar contains an entry for this variant (Variation ID: 566762). Invitae Evidence Modeling of protein sequence and biophysical properties (such as structural, functional, and spatial information, amino acid conservation, physicochemical variation, residue mobility, and thermodynamic stability) indicates that this missense variant is not expected to disrupt BLM protein function with a negative predictive value of 80%. In summary, the available evidence is currently insufficient to determine the role of this variant in disease. Therefore, it has been classified as a Variant of Uncertain Significance.

Dasa
Classification: Uncertain significance. Last evaluated: 2024-12-18. Review status: criteria provided, single submitter. Criteria: DASA Assertion Criteria. Collection method: clinical testing. Allele origin: germline.
Comment: NM_000057.4(BLM):c.1319A>G (p.Glu440Gly) is a missense variant that results in the substitution of glutamic acid with glycine. This variant is rare in population databases. Computational prediction algorithms are consistent with a benign effect. The currently available literature and clinical evidence are not sufficient to establish a definitive association between this variant and the reported condition. Therefore, this variant is classified as a variant of uncertain significance.

Ambry Genetics
Classification: Likely benign for Hereditary cancer-predisposing syndrome. Last evaluated: 2024-03-14. Review status: criteria provided, single submitter. Criteria: Ambry Variant Classification Scheme 2023. Collection method: clinical testing. Allele origin: germline.

Natera, Inc.
Classification: Uncertain significance for Bloom syndrome. Last evaluated: 2021-06-01. Review status: no assertion criteria provided. Collection method: clinical testing. Allele origin: germline. Not counted in ClinVar's aggregate classification.

NM_000057.4(BLM):c.1319A>G (p.Glu440Gly)

Gene: BLM (BLM RecQ like helicase; plus strand). Cytogenetic location: 15q26.1.
Variant type: single nucleotide variant.
Coding change: c.1319A>G on transcript NM_000057.4 (MANE Select); coding-DNA position 1319, A replaced by G.
Protein change: p.Glu440Gly; replaces glutamic acid 440 with glycine.
Molecular consequence: missense variant.
Genome position (GRCh38, 1-based): chr15:90,760,692, A>G. VCF-style: chr15-90760692-A-G. GRCh37 (hg19) VCF-style: chr15-91303922-A-G.
Other names: c.1319A>G, p.Glu440Gly (NM_001287246.2, NM_001287247.2); c.194A>G, p.Glu65Gly (NM_001287248.2); short protein forms E440G, E65G.
Identifiers: ClinVar variation 566762 (VCV000566762.17), dbSNP rs1567040910, ClinGen allele CA393842802.